The following is an entry in ClinVar:

ClinVar aggregate classification (germline): Pathogenic. Review status: practice guideline (4 of 4 stars). 31 submissions from 29 submitters: Pathogenic (1). 30 of the submissions do not count toward it. Last evaluated 2004-03-03.

Conditions:
CFTR-related disorder (CFTR-RD). Also called: CFTR-related disorders; CFTR-related condition. Identifiers: MedGen C5924204, MONDO:7770004.
Congenital bilateral aplasia of vas deferens from CFTR mutation (CBAVD). Identifiers: Orphanet 48, MedGen C0403814, MONDO:0010178, OMIM 277180. Disease mechanism: loss of function.
Cystic fibrosis (CF). Also called: MUCOVISCIDOSIS. Identifiers: Orphanet 586, MedGen C0010674, MONDO:0009061, OMIM 219700. Disease mechanism: loss of function.
Bronchiectasis with or without elevated sweat chloride 1 (BESC1). Also called: Cystic Fibrosis-Like Syndrome. Identifiers: Orphanet 60033, MedGen C2749757, MONDO:0008887, OMIM 211400.
Hereditary pancreatitis (PCTT). Also called: PRSS1-Related Hereditary Pancreatitis; Hereditary chronic pancreatitis. Identifiers: Orphanet 676, MedGen C0238339, MONDO:0008185, OMIM 167800.

Allele frequency attached by ClinVar (database versions not stated): gnomAD 0.00004 and 0.00005; gnomAD exomes 0.00004 and 0.00006; ExAC 0.00005; TOPMed 0.00006.
gnomAD v4.1: 74 of 1,612,928 alleles (0.0046%); highest among the groups gnomAD compares: South Asian, 0.027%; no homozygotes.

Submissions 1 to 13 of 31:

American College of Medical Genetics and Genomics  (ACMG)
Classification: Pathogenic for Cystic fibrosis. Last evaluated: 2004-03-03. Review status: practice guideline. Criteria: Guideline for cystic fibrosis carrier screening. Collection method: curation. Allele origin: germline. Inheritance: Autosomal recessive inheritance. Study: The ACMG recommended carrier screening panel.
ClinVar note: Converted during submission from pathogenic to Pathogenic.

CFTR2
Classification: Pathogenic for Cystic fibrosis. Last evaluated: 2017-03-17. Review status: reviewed by expert panel. Criteria: Sosnay PR et al. (Nat Genet 2013). Collection method: research. Allele origin: germline. Affected: yes. Study: CFTR2. Not counted in ClinVar's aggregate classification.

Natera, Inc.
Classification: Pathogenic for CFTR-related disorders. Last evaluated: 2026-01-26. Review status: criteria provided, single submitter. Criteria: Natera Variant Classification Schema (03/2026). Collection method: clinical testing. Allele origin: germline. Not counted in ClinVar's aggregate classification.
Comment: The c.3484C>T variant in CFTR is a nonsense variant predicted to introduce a stop codon at amino acid 1162. This variant is expected to result in nonsense mediated decay, truncation, or a dysfunctional protein product. This variant is rare in the general population with a frequency below the threshold expected for the associated phenotype(s). This variant has been observed in one or more individuals affected with the associated recessive disease, as either homozygous or compound heterozygous with a second variant (PMID: 25910067). Given the available evidence, this variant is classified as Pathogenic.

Labcorp Genetics (formerly Invitae), Labcorp
Classification: Pathogenic for Cystic fibrosis. Last evaluated: 2026-01-18. Review status: criteria provided, single submitter. Criteria: Invitae Variant Classification Sherloc (09022015). Collection method: clinical testing. Allele origin: germline. Not counted in ClinVar's aggregate classification.
Comment: This sequence change creates a premature translational stop signal (p.Arg1162*) in the CFTR gene. It is expected to result in an absent or disrupted protein product. Loss-of-function variants in CFTR are known to be pathogenic (PMID: 1695717, 7691345, 9725922). This variant is present in population databases (rs74767530, gnomAD 0.02%). This premature translational stop signal has been observed in individual(s) with cystic fibrosis (CF) and is included in the American College of Medical Genetics (ACMG) panel of CF variants (PMID: 15371902, 23974870). ClinVar contains an entry for this variant (Variation ID: 7137). For these reasons, this variant has been classified as Pathogenic.

PreventionGenetics, part of Exact Sciences
Classification: Pathogenic for CFTR-related condition. Last evaluated: 2025-09-08. Review status: criteria provided, single submitter. Criteria: ACMG Guidelines, 2015. Collection method: clinical testing. Allele origin: germline. Not counted in ClinVar's aggregate classification.
Comment: The CFTR c.3484C>T variant is predicted to result in premature protein termination (p.Arg1162*). This variant has been repeatedly reported to be causative for cystic fibrosis (see for example, Gasparini et al. 1991. PubMed ID: 2045102; Table 1, Raraigh et al. 2021. PubMed ID: 34782259; Table 2, Chernykh et al. 2023. PubMed ID: 38003474). This variant is reported in 0.023% of alleles in individuals of South Asian descent in gnomAD. Nonsense variants in CFTR are expected to be pathogenic. This variant is interpreted as pathogenic.

3billion
Classification: Pathogenic for Cystic fibrosis. Last evaluated: 2025-06-12. Review status: criteria provided, single submitter. Criteria: ACMG Guidelines, 2015. Collection method: clinical testing. Allele origin: germline. Affected: yes. Not counted in ClinVar's aggregate classification.
Comment: The variant is observed at an extremely low frequency in the gnomAD v4.1.0 dataset (total allele frequency: 0.005%). Predicted Consequence/Location: Stop-gained (nonsense): predicted to result in a loss or disruption of normal protein function through nonsense-mediated decay (NMD) or protein truncation. Multiple pathogenic variants are reported downstream of the variant. The variant has been reported multiple times as an established pathogenic variant (ClinVar ID: VCV000007137 /PMID: 2045102 /3billion dataset). Therefore, this variant is classified as Pathogenic according to the recommendation of ACMG/AMP guideline.

Victorian Clinical Genetics Services, Murdoch Childrens Research Institute
Classification: Pathogenic for Cystic fibrosis. Last evaluated: 2025-06-02. Review status: criteria provided, single submitter. Criteria: ACMG Guidelines, 2015. Collection method: clinical testing. Allele origin: germline. Affected: no. Not counted in ClinVar's aggregate classification.
Comment: This variant is classified as Pathogenic. Evidence in support of pathogenic classification: Variant is predicted to cause nonsense-mediated decay (NMD) and loss of protein (premature termination codon is located at least 54 nucleotides upstream of the final exon-exon junction); Variant is present in gnomAD <0.01 for a recessive condition (v4: 74 heterozygote(s), 0 homozygote(s)); This variant has strong previous evidence of pathogenicity in unrelated individuals. It has been classified as pathogenic by the CFTR2 expert panel and many clinical laboratories (ClinVar); Other NMD-predicted variant(s) comparable to the one identified in this case have very strong previous evidence for pathogenicity (DECIPHER). Additional information: This variant is heterozygous; This gene is associated with autosomal recessive disease; Loss of function is a known mechanism of disease in this gene and is associated with cystic fibrosis (MIM#219700).

CeGaT Center for Human Genetics Tuebingen
Classification: Pathogenic. Last evaluated: 2025-06-01. Review status: criteria provided, single submitter. Criteria: CeGaT Center For Human Genetics Tuebingen Variant Classification Criteria Version 2. Collection method: clinical testing. Allele origin: germline. Affected: yes. Observed: 1 variant allele. Not counted in ClinVar's aggregate classification.
Comment: CFTR: PM3:Very Strong, PVS1, PM2

ARUP Laboratories, Molecular Genetics and Genomics, ARUP Laboratories
Classification: Pathogenic for Cystic fibrosis. Last evaluated: 2025-05-14. Review status: criteria provided, single submitter. Criteria: ARUP Molecular Germline Variant Investigation Process 2024. Collection method: clinical testing. Allele origin: germline. Not counted in ClinVar's aggregate classification.
Comment: The CFTR c.3484C>T; p.Arg1162Ter variant (rs74767530, ClinVar Variation ID: 7137) is reported in the literature in patients diagnosed with cystic fibrosis, and is often associated with pancreatic insufficiency (CFTR2 database, Gasparini 1991, Gasparini 1992, Ooi 2012, Sosnay 2013). This variant is found in the general population with an overall allele frequency of 0.0057% (16/281996 alleles) in the Genome Aggregation Database (v2.1.1). This variant induces an early termination codon and is predicted to result in a truncated protein or mRNA subject to nonsense-mediated decay. Based on available information, the p.Arg1162Ter variant is considered to be pathogenic. References: CFTR2 database: Gasparini P et al. The search for south European cystic fibrosis mutations: identification of two new mutations, four variants, and intronic sequences. Genomics. 1991; 10(1):193-200. PMID: 2045102. Gasparini P et al. Nine cystic fibrosis patients homozygous for the CFTR nonsense mutation R1162X have mild or moderate lung disease. J Med Genet. 1992; 29(8):558-62. PMID: 1381442. Ooi C. et al. Cystic fibrosis transmembrane conductance regulator (CFTR) gene mutations in pancreatitis. J Cyst Fibros. 2012; 11(5):355-62. PMID: 22658665. Sosnay PR et al. Defining the disease liability of variants in the cystic fibrosis transmembrane conductance regulator gene. Nat Genet. 2013; 45(10):1160-7. PMID: 23974870.

Revvity Omics, Revvity
Classification: Pathogenic. Last evaluated: 2024-12-06. Review status: criteria provided, single submitter. Criteria: ACMG Guidelines, 2015. Collection method: clinical testing. Allele origin: germline. Not counted in ClinVar's aggregate classification.

Blueprint Genetics
Classification: Pathogenic for CFTR-related disorders. Last evaluated: 2024-09-08. Review status: criteria provided, single submitter. Criteria: ACMG Guidelines, 2015. Collection method: clinical testing. Allele origin: germline. Affected: yes. Observed: 4 variant alleles. Not counted in ClinVar's aggregate classification.

Baylor Genetics
Classification: Pathogenic for Bronchiectasis with or without elevated sweat chloride 1. Last evaluated: 2024-03-30. Review status: criteria provided, single submitter. Criteria: ACMG Guidelines, 2015. Collection method: clinical testing. Allele origin: unknown. Not counted in ClinVar's aggregate classification.

Fulgent Genetics
Classification: Pathogenic for Hereditary pancreatitis; Bronchiectasis with or without elevated sweat chloride 1; Cystic fibrosis; Congenital bilateral aplasia of vas deferens from CFTR mutation. Last evaluated: 2024-02-06. Review status: criteria provided, single submitter. Criteria: ACMG Guidelines, 2015. Collection method: clinical testing. Allele origin: germline. Not counted in ClinVar's aggregate classification.

NM_000492.4(CFTR):c.3484C>T (p.Arg1162Ter)

Genes: CFTR (CF transmembrane conductance regulator; plus strand), CFTR-AS2 (CFTR antisense RNA 2; minus strand). Cytogenetic location: 7q31.2.
Variant type: single nucleotide variant.
Coding change: c.3484C>T on transcript NM_000492.4 (MANE Select); coding-DNA position 3484, C replaced by T.
Protein change: p.Arg1162Ter; replaces arginine 1162 with a stop codon.
Molecular consequence: nonsense.
Genome position (GRCh38, 1-based): chr7:117,627,537, C>T. VCF-style: chr7-117627537-C-T. GRCh37 (hg19) VCF-style: chr7-117267591-C-T.
Other names: R1162; short protein forms R1162*.
Identifiers: ClinVar variation 7137 (VCV000007137.147), dbSNP rs74767530, ClinGen allele CA340642.
Genomic context (GRCh38, chr7:117,627,537, plus strand): 5'-TGTCTGCCATTCTTAAAAACAAAAATGTTGTTATTTTTATTTCAGATGCGATCTGTGAGC[C>T]GAGTCTTTAAGTTCATTGACATGCCAACAGAAGGTAAACCTACCAAGTCAACCAAACCAT-3'